The following is an entry in ClinVar:

NM_000445.5(PLEC):c.59G>A (p.Ser20Asn)

Gene: PLEC (plectin; minus strand). Cytogenetic location: 8q24.3.
Variant type: single nucleotide variant.
Coding change: c.59G>A on transcript NM_000445.5; coding-DNA position 59, G replaced by A.
Protein change: p.Ser20Asn; replaces serine 20 with asparagine.
Molecular consequence: missense variant.
Genome position (GRCh38, 1-based): chr8:143,975,311, C>T on the plus strand (G>A on the coding strand, the complement: PLEC is on the minus strand). VCF-style: chr8-143975311-C-T. GRCh37 (hg19) VCF-style: chr8-145049479-C-T.
Other names: c.59G>A, p.Ser20Asn (NM_001410941.1); short protein forms S20N.
Identifiers: ClinVar variation 5039878 (VCV005039878.1).
Genomic context (GRCh38, chr8:143,975,311, plus strand): 5'-CGGCTCCGCTGCGTTTTCCCAAGGTTCCAGGGCAGTGTGTCCCCAGGGCTGGGCGAGCCA[C>T]TGCTTCCATTGGAGACATCTTCAGAGACTGCCCGGACCTCAGCGTCCTCACCCGACATGG-3'

ClinVar aggregate classification (germline): Uncertain significance (1 of 4 stars; one submission).

gnomAD v4.1: 10 of 1,611,890 alleles (0.00062%); highest among the groups gnomAD compares: Non-Finnish European, 0.00085%; no homozygotes.

Submission:

CeGaT Center for Human Genetics Tuebingen
Classification: Uncertain significance. Last evaluated: 2026-07-01. Review status: criteria provided, single submitter. Criteria: CeGaT Center For Human Genetics Tuebingen Variant Classification Criteria Version 2. Collection method: clinical testing. Allele origin: germline. Affected: yes. Observed: 1 variant allele.
Comment: PLEC: PM2, PP3